The following is an entry in ClinVar:

NM_001349253.2(SCN11A):c.3272A>G (p.Asn1091Ser)

Gene: SCN11A (sodium voltage-gated channel alpha subunit 11; minus strand). Cytogenetic location: 3p22.2.
Variant type: single nucleotide variant.
Coding change: c.3272A>G on transcript NM_001349253.2 (MANE Select); coding-DNA position 3272, A replaced by G.
Protein change: p.Asn1091Ser; replaces asparagine 1091 with serine.
Molecular consequence: missense variant.
Genome position (GRCh38, 1-based): chr3:38,880,071, T>C on the plus strand (A>G on the coding strand, the complement: SCN11A is on the minus strand). VCF-style: chr3-38880071-T-C. GRCh37 (hg19) VCF-style: chr3-38921562-T-C.
Other names: c.3272A>G (NM_014139.2); c.3272A>G, p.Asn1091Ser (NM_014139.3); short protein forms N1091S.
Identifiers: ClinVar variation 1984441 (VCV001984441.5), dbSNP rs549567405, ClinGen allele CA72986629.
Genomic context (GRCh38, chr3:38,880,071, plus strand): 5'-GCTACCCATTTTAGTACCATCTCCAGGATAAAAATATGTGTAAAAATAATGTCAGTACAA[T>C]TTAGTAATTCTTGGATTTTGGGTTGGTTCTCAAGGTGAACATCTTCAAATATCTGAAATG-3'
Protein context (NP_001336182.1, residues 1081-1101): ENQPKIQELL[Asn1091Ser]CTDIIFTHIF

ClinVar aggregate classification (germline): Uncertain significance. Review status: criteria provided, multiple submitters, no conflicts (2 of 4 stars). 2 submissions from 2 submitters: Uncertain significance (2). Last evaluated 2025-12-25.

Conditions:
Hereditary sensory and autonomic neuropathy type 7. Also called: HSAN VII; Neuropathy, hereditary sensory and autonomic, type VII. Identifiers: Orphanet 391397, MedGen C3809882, MONDO:0014244, OMIM 615548.
Familial episodic pain syndrome with predominantly lower limb involvement. Also called: Episodic pain syndrome, familial, 3. Identifiers: Orphanet 391384, Orphanet 391392, MedGen C3809899, MONDO:0014247, OMIM 615552.
SCN11A-related disorder. Also called: SCN11A-related condition.

Allele frequency attached by ClinVar (database versions not stated): gnomAD 0.00001; gnomAD exomes 0.00001; TOPMed 0.00001; 1000 Genomes Project 0.00020; 1000 Genomes Project 30x 0.00031.
gnomAD v4.1: 18 of 1,611,110 alleles (0.0011%); highest among the groups gnomAD compares: Non-Finnish European, 0.0014%; no homozygotes.

Submissions (2):

Labcorp Genetics (formerly Invitae), Labcorp
Classification: Uncertain significance for Familial episodic pain syndrome with predominantly lower limb involvement; Hereditary sensory and autonomic neuropathy type 7. Last evaluated: 2025-12-25. Review status: criteria provided, single submitter. Criteria: Invitae Variant Classification Sherloc (09022015). Collection method: clinical testing. Allele origin: germline.
Comment: This sequence change replaces asparagine, which is neutral and polar, with serine, which is neutral and polar, at codon 1091 of the SCN11A protein (p.Asn1091Ser). This variant is present in population databases (rs549567405, gnomAD 0.002%). This variant has not been reported in the literature in individuals affected with SCN11A-related conditions. ClinVar contains an entry for this variant (Variation ID: 1984441). Invitae Evidence Modeling of protein sequence and biophysical properties (such as structural, functional, and spatial information, amino acid conservation, physicochemical variation, residue mobility, and thermodynamic stability) indicates that this missense variant is not expected to disrupt SCN11A protein function with a negative predictive value of 80%. In summary, the available evidence is currently insufficient to determine the role of this variant in disease. Therefore, it has been classified as a Variant of Uncertain Significance.

PreventionGenetics, part of Exact Sciences
Classification: Uncertain significance for SCN11A-related condition. Last evaluated: 2025-11-05. Review status: criteria provided, single submitter. Criteria: ACMG Guidelines, 2015. Collection method: clinical testing. Allele origin: germline.
Comment: The SCN11A c.3272A>G variant is predicted to result in the amino acid substitution p.Asn1091Ser. To our knowledge, this variant has not been reported in the literature. This variant is reported in 0.0018% of alleles in individuals of European (non-Finnish) descent in gnomAD. At this time, the clinical significance of this variant is uncertain due to the absence of conclusive functional and genetic evidence.